The following is an entry in ClinVar:

ClinVar aggregate classification (germline): Uncertain significance. Review status: criteria provided, multiple submitters, no conflicts (2 of 4 stars). 2 submissions from 2 submitters: Uncertain significance (2). Last evaluated 2024-07-21.

Conditions:
Charcot-Marie-Tooth disease type 2. Also called: Charcot-Marie-Tooth type 2. Identifiers: Orphanet 64746, MedGen C0270914, MONDO:0018993.

Allele frequency attached by ClinVar (database versions not stated): TOPMed below 0.00001; ExAC 0.00002.
gnomAD v4.1: 6 of 1,613,802 alleles (0.00037%); highest among the groups gnomAD compares: African/African-American, 0.0013%; no homozygotes.

Submissions (2):

Labcorp Genetics (formerly Invitae), Labcorp
Classification: Uncertain significance for Charcot-Marie-Tooth disease type 2. Last evaluated: 2024-07-21. Review status: criteria provided, single submitter. Criteria: Invitae Variant Classification Sherloc (09022015). Collection method: clinical testing. Allele origin: germline.
Comment: This sequence change replaces glutamic acid, which is acidic and polar, with aspartic acid, which is acidic and polar, at codon 552 of the KIF1B protein (p.Glu552Asp). This variant is present in population databases (rs762207697, gnomAD 0.002%). This variant has not been reported in the literature in individuals affected with KIF1B-related conditions. ClinVar contains an entry for this variant (Variation ID: 1777366). Advanced modeling of protein sequence and biophysical properties (such as structural, functional, and spatial information, amino acid conservation, physicochemical variation, residue mobility, and thermodynamic stability) performed at Invitae indicates that this missense variant is not expected to disrupt KIF1B protein function with a negative predictive value of 80%. In summary, the available evidence is currently insufficient to determine the role of this variant in disease. Therefore, it has been classified as a Variant of Uncertain Significance.

Ambry Genetics
Classification: Uncertain significance. Last evaluated: 2024-01-15. Review status: criteria provided, single submitter. Criteria: Ambry Variant Classification Scheme 2023. Collection method: clinical testing. Allele origin: germline.
Comment: The p.E552D variant (also known as c.1656G>T), located in coding exon 17 of the KIF1B gene, results from a G to T substitution at nucleotide position 1656. The glutamic acid at codon 552 is replaced by aspartic acid, an amino acid with highly similar properties. This amino acid position is well conserved in available vertebrate species. In addition, the in silico prediction for this alteration is inconclusive. Since supporting evidence is limited at this time, the clinical significance of this alteration remains unclear.

NM_001365951.3(KIF1B):c.1794G>T (p.Glu598Asp)

Gene: KIF1B (kinesin family member 1B; plus strand). Cytogenetic location: 1p36.22.
Variant type: single nucleotide variant.
Coding change: c.1794G>T on transcript NM_001365951.3 (MANE Select); coding-DNA position 1794, G replaced by T.
Protein change: p.Glu598Asp; replaces glutamic acid 598 with aspartic acid.
Molecular consequence: missense variant.
Genome position (GRCh38, 1-based): chr1:10,296,598, G>T. VCF-style: chr1-10296598-G-T. GRCh37 (hg19) VCF-style: chr1-10356656-G-T.
Other names: c.1794G>T, p.Glu598Asp (NM_001365952.1); c.1656G>T, p.Glu552Asp (NM_001365953.1, NM_015074.3, NM_183416.4); short protein forms E598D, E552D.
Identifiers: ClinVar variation 1777366 (VCV001777366.4), dbSNP rs762207697, ClinGen allele CA581092.